The following is an entry in ClinVar:

NM_000944.5(PPP3CA):c.1414G>A (p.Glu472Lys)

Gene: PPP3CA (protein phosphatase 3 catalytic subunit alpha; minus strand). Cytogenetic location: 4q24.
Variant type: single nucleotide variant.
Coding change: c.1414G>A on transcript NM_000944.5 (MANE Select); coding-DNA position 1414, G replaced by A.
Protein change: p.Glu472Lys; replaces glutamic acid 472 with lysine.
Molecular consequence: missense variant.
Genome position (GRCh38, 1-based): chr4:101,026,017, C>T on the plus strand (G>A on the coding strand, the complement: PPP3CA is on the minus strand). VCF-style: chr4-101026017-C-T. GRCh37 (hg19) VCF-style: chr4-101947174-C-T.
Other names: c.1384G>A, p.Glu462Lys (NM_001130691.2); c.1258G>A, p.Glu420Lys (NM_001130692.2); short protein forms E472K, E420K, E462K.
Identifiers: ClinVar variation 3648879 (VCV003648879.2).
Genomic context (GRCh38, chr4:101,026,017, plus strand): 5'-AGGGCATGGCATCTCTGCGAGGCGGCATCCTCTCATTAATTCGGTCTAAGCCCTTGGCTT[C>T]CTCGAAGCTAGTGATCTTATGTTGTGGTGAAAATCCTTTGATAGCTAAACAGAAAATCAT-3'
Protein context (NP_000935.1, residues 462-482): SPQHKITSFE[Glu472Lys]AKGLDRINER

ClinVar aggregate classification (germline): Uncertain significance (1 of 4 stars; one submission).

gnomAD v4.1: 1 of 1,610,828 alleles (0.000062%); highest among the groups gnomAD compares: Non-Finnish European, 0.000085%; no homozygotes.

Submission:

Labcorp Genetics (formerly Invitae), Labcorp
Classification: Uncertain significance. Last evaluated: 2024-04-25. Review status: criteria provided, single submitter. Criteria: Invitae Variant Classification Sherloc (09022015). Collection method: clinical testing. Allele origin: germline.
Comment: This sequence change replaces glutamic acid, which is acidic and polar, with lysine, which is basic and polar, at codon 472 of the PPP3CA protein (p.Glu472Lys). This variant is present in population databases (rs775976578, gnomAD 0.0009%). This variant has not been reported in the literature in individuals affected with PPP3CA-related conditions. Advanced modeling of protein sequence and biophysical properties (such as structural, functional, and spatial information, amino acid conservation, physicochemical variation, residue mobility, and thermodynamic stability) performed at Invitae indicates that this missense variant is not expected to disrupt PPP3CA protein function with a negative predictive value of 80%. In summary, the available evidence is currently insufficient to determine the role of this variant in disease. Therefore, it has been classified as a Variant of Uncertain Significance.